The following is an entry in ClinVar:

ClinVar aggregate classification (germline): Pathogenic. Review status: criteria provided, multiple submitters, no conflicts (2 of 4 stars). 3 submissions from 3 submitters: Pathogenic (3). Last evaluated 2023-10-16.

Conditions:
Hypertrophic cardiomyopathy. Also called: HYPERTROPHIC MYOCARDIOPATHY. Identifiers: Orphanet 217569, MedGen C0007194, MeSH D002312, MONDO:0005045, HP:0001639.
Cardiovascular phenotype. Identifiers: MedGen CN230736.

Submissions (3):

Ambry Genetics
Classification: Pathogenic for Cardiovascular phenotype. Last evaluated: 2023-10-16. Review status: criteria provided, single submitter. Criteria: Ambry Variant Classification Scheme 2023. Collection method: clinical testing. Allele origin: germline.
Comment: The p.Y1119* pathogenic mutation (also known as c.3357C>A), located in coding exon 31 of the MYBPC3 gene, results from a C to A substitution at nucleotide position 3357. This changes the amino acid from a tyrosine to a stop codon within coding exon 31. This variant has been detected in hypertrophic cardiomyopathy (HCM) cohorts, or cohorts submitted for HCM genetic testing (Walsh R et al. Genet Med, 2017 Feb;19:192-203; Magr&igrave; D et al. J Clin Med, 2020 May;9). This variant is considered to be rare based on population cohorts in the Genome Aggregation Database (gnomAD). This alteration is expected to result in loss of function by premature protein truncation or nonsense-mediated mRNA decay. As such, this alteration is interpreted as a disease-causing mutation.

Genetics and Molecular Pathology, SA Pathology
Classification: Pathogenic for Hypertrophic cardiomyopathy. Last evaluated: 2023-06-14. Review status: criteria provided, single submitter. Criteria: ACMG Guidelines, 2015. Collection method: clinical testing. Allele origin: germline. Affected: yes.
Comment: The MYBPC3 c.3357C>A variant is classified as Pathogenic (PVS1, PS4_Supporting, PM2) The MYBPC3 c.3357C>A variant is a single nucleotide change which is predicted to result in premature termination of the protein product at codon 1119, resulting in loss of function. Loss of function of MYBPC3 is a known disease mechanism in hypertrophic cardiomyopathy (HCM) (PVS1). This variant has been reported in 2 probands with a clinical presentation of HCM (PMID#27532257, Invitae) (PS4_Supporting). This variant is absent from population databases (PM2), is reported in dbSNP (rs1565622952), is reported as disease causing in HGMD (CM1616656) and and has been reported as pathogenic by other diagnostic laboratories (ClinVar Variation ID: 579276).

Labcorp Genetics (formerly Invitae), Labcorp
Classification: Pathogenic for Hypertrophic cardiomyopathy. Last evaluated: 2022-11-08. Review status: criteria provided, single submitter. Criteria: Invitae Variant Classification Sherloc (09022015). Collection method: clinical testing. Allele origin: germline.
Comment: For these reasons, this variant has been classified as Pathogenic. ClinVar contains an entry for this variant (Variation ID: 579276). This sequence change creates a premature translational stop signal (p.Tyr1119*) in the MYBPC3 gene. It is expected to result in an absent or disrupted protein product. Loss-of-function variants in MYBPC3 are known to be pathogenic (PMID: 19574547). This variant is not present in population databases (gnomAD no frequency). This premature translational stop signal has been observed in individual(s) with hypertrophic cardiomyopathy (PMID: 27532257).

Literature cited by the submitters: PubMed 27532257 (cited by 3 submitters); PubMed 32481709 (cited by Ambry Genetics); PubMed 19574547 (cited by Labcorp Genetics (formerly Invitae), Labcorp).

NM_000256.3(MYBPC3):c.3357C>A (p.Tyr1119Ter)

Gene: MYBPC3 (myosin binding protein C3; minus strand). Cytogenetic location: 11p11.2.
Variant type: single nucleotide variant.
Coding change: c.3357C>A on transcript NM_000256.3 (MANE Select); coding-DNA position 3357, C replaced by A.
Protein change: p.Tyr1119Ter; replaces tyrosine 1119 with a stop codon.
Molecular consequence: nonsense.
Genome position (GRCh38, 1-based): chr11:47,332,947, G>T on the plus strand (C>A on the coding strand, the complement: MYBPC3 is on the minus strand). VCF-style: chr11-47332947-G-T. GRCh37 (hg19) VCF-style: chr11-47354498-G-T.
Other names: c.3357C>A, p.Tyr1119Ter (LRG_386t1); short protein forms Y1119*.
Identifiers: ClinVar variation 579276 (VCV000579276.13), dbSNP rs1565622952, ClinGen allele CA380313818.